The following is an entry in ClinVar:

ClinVar aggregate classification (germline): Conflicting classifications of pathogenicity. Review status: criteria provided, conflicting classifications (1 of 4 stars). 3 submissions from 3 submitters: Uncertain significance (2); Likely benign (1). Last evaluated 2024-07-17.

Conditions:
Cardiomyopathy (CMYO). Also called: Cardiomyopathies. Identifiers: Orphanet 167848, MedGen C0878544, MONDO:0004994, HP:0001638. Inheritance: Various modes of inheritance.

Allele frequency attached by ClinVar (database versions not stated): TOPMed 0.00001; gnomAD 0.00002.
gnomAD v4.1: 31 of 1,609,756 alleles (0.0019%); highest among the groups gnomAD compares: Non-Finnish European, 0.0025%; no homozygotes.

Submissions (3):

GeneDx
Classification: Uncertain significance. Last evaluated: 2024-07-17. Review status: criteria provided, single submitter. Criteria: GeneDx Variant Classification Process June 2021. Collection method: clinical testing. Allele origin: germline. Affected: yes.
Comment: Not observed at significant frequency in large population cohorts (gnomAD); Missense variant in a gene in which most reported pathogenic variants are truncating/loss of function; Has not been previously published as pathogenic or benign to our knowledge

Women's Health and Genetics/Laboratory Corporation of America, LabCorp
Classification: Uncertain significance. Last evaluated: 2023-05-06. Review status: criteria provided, single submitter. Criteria: LabCorp Variant Classification Summary - May 2015. Collection method: clinical testing. Allele origin: germline.

CHEO Genetics Diagnostic Laboratory, Children's Hospital of Eastern Ontario
Classification: Likely benign for Cardiomyopathy. Last evaluated: 2023-03-03. Review status: criteria provided, single submitter. Criteria: ACMG Guidelines, 2015. Collection method: clinical testing. Allele origin: germline.

NM_001267550.2(TTN):c.55361C>T (p.Thr18454Ile)

Genes: TTN (titin; minus strand), TTN-AS1 (TTN antisense RNA 1; plus strand). Cytogenetic location: 2q31.2.
Variant type: single nucleotide variant.
Coding change: c.55361C>T on transcript NM_001267550.2 (MANE Select); coding-DNA position 55361, C replaced by T.
Protein change: p.Thr18454Ile; replaces threonine 18454 with isoleucine.
Molecular consequence: missense variant.
Genome position (GRCh38, 1-based): chr2:178,601,729, G>A on the plus strand (C>T on the coding strand, the complement: TTN is on the minus strand). VCF-style: chr2-178601729-G-A. GRCh37 (hg19) VCF-style: chr2-179466456-G-A.
Other names: c.50438C>T, p.Thr16813Ile (NM_001256850.1); c.28166C>T, p.Thr9389Ile (NM_003319.4); c.47657C>T, p.Thr15886Ile (NM_133378.4); c.28541C>T, p.Thr9514Ile (NM_133432.3); c.28742C>T, p.Thr9581Ile (NM_133437.4); short protein forms T15886I, T16813I, T18454I, T9389I, T9514I, T9581I.
Identifiers: ClinVar variation 2506092 (VCV002506092.3), dbSNP rs1171368715, ClinGen allele CA349542007.